The following is an entry in ClinVar:

NM_024422.6(DSC2):c.874C>T (p.Pro292Ser)

Gene: DSC2 (desmocollin 2; minus strand). Cytogenetic location: 18q12.1.
Variant type: single nucleotide variant.
Coding change: c.874C>T on transcript NM_024422.6 (MANE Select); coding-DNA position 874, C replaced by T.
Protein change: p.Pro292Ser; replaces proline 292 with serine.
Molecular consequence: missense variant.
Genome position (GRCh38, 1-based): chr18:31,086,644, G>A on the plus strand (C>T on the coding strand, the complement: DSC2 is on the minus strand). VCF-style: chr18-31086644-G-A. GRCh37 (hg19) VCF-style: chr18-28666607-G-A.
Other names: c.874C>T, p.Pro292Ser (NM_004949.5); short protein forms P292S.
Identifiers: ClinVar variation 665816 (VCV000665816.12), dbSNP rs767340313, ClinGen allele CA040421.

ClinVar aggregate classification (germline): Conflicting classifications of pathogenicity. Review status: criteria provided, conflicting classifications (1 of 4 stars). 5 submissions from 5 submitters: Uncertain significance (4); Likely benign (1). Last evaluated 2026-01-02.

Conditions:
Familial isolated arrhythmogenic right ventricular dysplasia. Identifiers: Orphanet 217656, MedGen C4274968, MONDO:0016342.
Arrhythmogenic right ventricular dysplasia 11. Also called: Arrhythmogenic Right Ventricular Dysplasia/Cardiomyopathy11; ARRHYTHMOGENIC RIGHT VENTRICULAR DYSPLASIA, FAMILIAL, 11; Arrhythmogenic right ventricular dysplasia 11 with mild palmoplantar keratoderma and woolly hair. Identifiers: MedGen C1864850, MONDO:0012506, OMIM 610476.
Cardiomyopathy (CMYO). Also called: Cardiomyopathies. Identifiers: Orphanet 167848, MedGen C0878544, MONDO:0004994, HP:0001638. Inheritance: Various modes of inheritance.
Cardiovascular phenotype. Identifiers: MedGen CN230736.

Allele frequency attached by ClinVar (database versions not stated): gnomAD exomes below 0.00001 and 0.00001; TOPMed 0.00001; ExAC 0.00002; gnomAD 0.00002.
gnomAD v4.1: 11 of 1,614,030 alleles (0.00068%); highest among the groups gnomAD compares: Middle Eastern, 0.016%; no homozygotes.

Submissions (5):

Labcorp Genetics (formerly Invitae), Labcorp
Classification: Uncertain significance for Arrhythmogenic right ventricular dysplasia 11. Last evaluated: 2026-01-02. Review status: criteria provided, single submitter. Criteria: Invitae Variant Classification Sherloc (09022015). Collection method: clinical testing. Allele origin: germline.
Comment: This sequence change replaces proline, which is neutral and non-polar, with serine, which is neutral and polar, at codon 292 of the DSC2 protein (p.Pro292Ser). This variant is present in population databases (rs767340313, gnomAD 0.006%). This missense change has been observed in individual(s) with arrhythmogenic right ventricular cardiomyopathy (PMID: 20152563). ClinVar contains an entry for this variant (Variation ID: 665816). Invitae Evidence Modeling of protein sequence and biophysical properties (such as structural, functional, and spatial information, amino acid conservation, physicochemical variation, residue mobility, and thermodynamic stability) indicates that this missense variant is not expected to disrupt DSC2 protein function with a negative predictive value of 80%. In summary, the available evidence is currently insufficient to determine the role of this variant in disease. Therefore, it has been classified as a Variant of Uncertain Significance.

Ambry Genetics
Classification: Likely benign for Cardiovascular phenotype. Last evaluated: 2025-06-13. Review status: criteria provided, single submitter. Criteria: Ambry Variant Classification Scheme 2023. Collection method: clinical testing. Allele origin: germline.

Blueprint Genetics
Classification: Uncertain significance. Last evaluated: 2024-09-30. Review status: criteria provided, single submitter. Criteria: ACMG Guidelines, 2015. Collection method: clinical testing. Allele origin: germline.

All of Us Research Program, National Institutes of Health
Classification: Uncertain significance for Familial isolated arrhythmogenic right ventricular dysplasia. Last evaluated: 2024-05-14. Review status: criteria provided, single submitter. Criteria: ACMG Guidelines, 2015. Collection method: clinical testing. Allele origin: germline. Inheritance: Autosomal dominant inheritance. Observed: 3 variant alleles, 3 heterozygotes.
Comment: Variant of Uncertain Significance due to insufficient evidence: This missense variant is located in the extracellular cadherin domain 2 of the DSC2 protein. Computational prediction tools and conservation analyses are inconclusive regarding the impact of this variant on the protein function. Computational splicing tools suggest that this variant may not impact RNA splicing. To our knowledge, functional assays have not been performed for this variant nor has this variant been reported in individuals affected with cardiovascular disorders in the literature. This variant has been identified in 5/277168 chromosomes in the general population by the Genome Aggregation Database (gnomAD). Available evidence is insufficient to determine the pathogenicity of this variant conclusively.

This study involves interpretation of variants in research participants for the purpose of population health screening. Participant phenotype was not available at the time of variant classification. Additional details can be found in publication PMID: 35346344, PMCID: PMC8962531

Color Diagnostics, LLC DBA Color Health
Classification: Uncertain significance for Cardiomyopathy. Last evaluated: 2024-04-23. Review status: criteria provided, single submitter. Criteria: ACMG Guidelines, 2015. Collection method: clinical testing. Allele origin: germline.
Comment: This missense variant replaces proline with serine at codon 292 of the DSC2 protein. Computational prediction suggests that this variant may not impact protein structure and function (internally defined REVEL score threshold <= 0.5, PMID: 27666373). To our knowledge, functional studies have not been reported for this variant. This variant has been reported in an an individual affected with arrhythmogenic right ventricular cardiomyopathy (PMID: 20152563). This variant has been identified in 5/282824 chromosomes in the general population by the Genome Aggregation Database (gnomAD). The available evidence is insufficient to determine the role of this variant in disease conclusively. Therefore, this variant is classified as a Variant of Uncertain Significance.

Literature cited by the submitters: PubMed 20152563 (cited by 3 submitters).